The following is an entry in ClinVar:

NM_002617.4(PEX10):c.737G>A (p.Arg246Lys)

Gene: PEX10 (peroxisomal biogenesis factor 10; minus strand). Cytogenetic location: 1p36.32.
Variant type: single nucleotide variant.
Coding change: c.737G>A on transcript NM_002617.4 (MANE Select); coding-DNA position 737, G replaced by A.
Protein change: p.Arg246Lys; replaces arginine 246 with lysine.
Molecular consequence: missense variant. On other transcripts: non-coding transcript variant (1).
Genome position (GRCh38, 1-based): chr1:2,406,759, C>T on the plus strand (G>A on the coding strand, the complement: PEX10 is on the minus strand). VCF-style: chr1-2406759-C-T. GRCh37 (hg19) VCF-style: chr1-2338198-C-T.
Other names: c.794G>A, p.Arg265Lys (NM_001374425.1); c.362G>A, p.Arg121Lys (NM_001374426.1); c.305G>A, p.Arg102Lys (NM_001374427.1); c.797G>A, p.Arg266Lys (NM_153818.2); short protein forms R102K, R246K, R121K, R266K, R265K.
Identifiers: ClinVar variation 1413925 (VCV001413925.5), dbSNP rs1335499698, ClinGen allele CA337985203.

ClinVar aggregate classification (germline): Uncertain significance (1 of 4 stars; one submission).

Conditions:
Peroxisome biogenesis disorder, complementation group 7 (CG7). Also called: Peroxisome biogenesis disorder, complementation group B. Identifiers: MedGen C1864399.

Submission:

Labcorp Genetics (formerly Invitae), Labcorp
Classification: Uncertain significance for Peroxisome biogenesis disorder, complementation group 7. Last evaluated: 2021-09-01. Review status: criteria provided, single submitter. Criteria: Invitae Variant Classification Sherloc (09022015). Collection method: clinical testing. Allele origin: germline.
Comment: This sequence change replaces arginine with lysine at codon 266 of the PEX10 protein (p.Arg266Lys). The arginine residue is moderately conserved and there is a small physicochemical difference between arginine and lysine. This variant is not present in population databases (ExAC no frequency). This variant has not been reported in the literature in individuals affected with PEX10-related conditions. Algorithms developed to predict the effect of missense changes on protein structure and function (SIFT, PolyPhen-2, Align-GVGD) all suggest that this variant is likely to be tolerated. In summary, the available evidence is currently insufficient to determine the role of this variant in disease. Therefore, it has been classified as a Variant of Uncertain Significance.